The following is an entry in ClinVar:

NM_006372.5(SYNCRIP):c.1808A>C (p.Asn603Thr)

Gene: SYNCRIP (synaptotagmin binding cytoplasmic RNA interacting protein; minus strand). Cytogenetic location: 6q14.3.
Variant type: single nucleotide variant.
Coding change: c.1808A>C on transcript NM_006372.5 (MANE Select); coding-DNA position 1808, A replaced by C.
Protein change: p.Asn603Thr; replaces asparagine 603 with threonine.
Molecular consequence: missense variant. On other transcripts: intron variant (10).
Genome position (GRCh38, 1-based): chr6:85,614,820, T>G on the plus strand (A>C on the coding strand, the complement: SYNCRIP is on the minus strand). VCF-style: chr6-85614820-T-G. GRCh37 (hg19) VCF-style: chr6-86324538-T-G.
Other names: c.1703A>C, p.Asn568Thr (NM_001159675.2); c.1514A>C, p.Asn505Thr (NM_001410938.1); c.1647+161A>C (NM_001439160.1, NM_001159676.2, NM_001159677.2); c.1789+19A>C (NM_001439161.1, NM_001439162.1, NM_001439158.1); c.1191+161A>C (NM_001253771.2); c.1353+161A>C (NM_001159673.2); c.1495+19A>C (NM_001439159.1); c.1542+161A>C (NM_001159674.2); short protein forms N505T, N568T, N603T.
Identifiers: ClinVar variation 3600618 (VCV003600618.1).

ClinVar aggregate classification (germline): Uncertain significance (1 of 4 stars; one submission).

Submission:

GeneDx
Classification: Uncertain significance. Last evaluated: 2024-07-22. Review status: criteria provided, single submitter. Criteria: GeneDx Variant Classification Process June 2021. Collection method: clinical testing. Allele origin: germline. Affected: yes.
Comment: Not observed at significant frequency in large population cohorts (gnomAD); In silico analysis indicates that this missense variant does not alter protein structure/function; Has not been previously published as pathogenic or benign to our knowledge; Reported using an alternate transcript of the gene